The following is an entry in ClinVar:

ClinVar aggregate classification (germline): Pathogenic (1 of 4 stars; one submission).

Submission:

Labcorp Genetics (formerly Invitae), Labcorp
Classification: Pathogenic. Last evaluated: 2020-02-02. Review status: criteria provided, single submitter. Criteria: Invitae Variant Classification Sherloc (09022015). Collection method: clinical testing. Allele origin: germline.
Comment: For these reasons, this variant has been classified as Pathogenic. Loss-of-function variants in TYMP are known to be pathogenic (PMID: 9924029, 15781193). This variant has not been reported in the literature in individuals with TYMP-related conditions. The frequency data for this variant in the population databases is considered unreliable, as metrics indicate insufficient coverage at this position in the ExAC database. This sequence change creates a premature translational stop signal (p.Ser409*) in the TYMP gene. It is expected to result in an absent or disrupted protein product.

Literature cited by the submitters: PubMed 9924029; PubMed 15781193.

NM_001953.5(TYMP):c.1224_1225insT (p.Ser409Ter)

Genes: SCO2 (synthesis of cytochrome C oxidase 2; minus strand), TYMP (thymidine phosphorylase; minus strand), LOC130067862 (ATAC-STARR-seq lymphoblastoid silent region 13986; plus strand). Cytogenetic location: 22q13.33.
Variant type: Insertion.
Coding change: c.1224_1225insT on transcript NM_001953.5 (MANE Select); coding-DNA positions 1224 to 1225, T inserted.
Protein change: p.Ser409Ter; replaces serine 409 with a stop codon.
Molecular consequence: nonsense. On other transcripts: 5 prime UTR variant (1), intron variant (1).
Genome position: GRCh38 VCF-style: chr22-50526076-T-TA. GRCh37 (hg19) VCF-style: chr22-50964505-T-TA.
Other names: c.1224_1225insT, p.Ser409Ter (NM_001113755.3, NM_001113756.3, NM_001257988.1); c.1239_1240insT, p.Ser414Ter (NM_001257989.1); c.-90_-89insT (NM_001169110.1); c.-14+169_-14+170insT (NM_001169109.2); short protein forms S409*, S414*.
Identifiers: ClinVar variation 1073359 (VCV001073359.45), dbSNP rs2148676984, ClinGen allele CA2499226229.